The following is an entry in ClinVar:

NM_003000.3(SDHB):c.278G>T (p.Cys93Phe)

Gene: SDHB (succinate dehydrogenase complex iron sulfur subunit B; minus strand). Cytogenetic location: 1p36.13.
Variant type: single nucleotide variant.
Coding change: c.278G>T on transcript NM_003000.3 (MANE Select); coding-DNA position 278, G replaced by T.
Protein change: p.Cys93Phe; replaces cysteine 93 with phenylalanine.
Molecular consequence: missense variant.
Genome position (GRCh38, 1-based): chr1:17,033,068, C>A on the plus strand (G>T on the coding strand, the complement: SDHB is on the minus strand). VCF-style: chr1-17033068-C-A. GRCh37 (hg19) VCF-style: chr1-17359563-C-A.
Other names: short protein forms C93F.
Identifiers: ClinVar variation 428924 (VCV000428924.6), dbSNP rs1131691054, ClinGen allele CA338276410.
Genomic context (GRCh38, chr1:17,033,068, plus strand): 5'-CCTCTTTGGAAGACCACAAGTATCTGGAGCCCAACAGGAATGAAATGCTCACCTTCTCTG[C>A]ATGATCTTCGGAAGGTCAAAGTAGAGTCAACTTCATTCTTAATCTTGATTAAAGCATCCA-3'
Protein context (NP_002991.2, residues 83-103): VDSTLTFRRS[Cys93Phe]REGICGSCAM

ClinVar aggregate classification (germline): Conflicting classifications of pathogenicity. Review status: criteria provided, conflicting classifications (1 of 4 stars). 2 submissions from 2 submitters: Pathogenic (1); Uncertain significance (1). Last evaluated 2026-01-14.

Conditions:
Hereditary cancer-predisposing syndrome. Also called: Neoplastic Syndromes, Hereditary; Hereditary Cancer Syndrome; Hereditary neoplastic syndrome; Tumor predisposition. Identifiers: Orphanet 140162, MedGen C0027672, MeSH D009386, MONDO:0015356.
Pheochromocytoma/paraganglioma syndrome 4. Also called: PARAGANGLIOMA, FAMILIAL MALIGNANT; PARAGANGLIOMAS, HEREDITARY EXTRAADRENAL; PHEOCHROMOCYTOMA, FAMILIAL EXTRAADRENAL; Paragangliomas 4; CAROTID BODY TUMORS AND MULTIPLE EXTRAADRENAL PHEOCHROMOCYTOMAS; SDHB-Related Hereditary Paraganglioma-Pheochromocytoma Syndrome (Paragangliomas 4). Identifiers: Orphanet 29072, MedGen C1861848, MONDO:0007273, OMIM 115310.
Gastrointestinal stromal tumor. Also called: Gastrointestinal stroma tumor; Gastrointestinal stromal tumor, somatic. Identifiers: Orphanet 44890, MedGen C0238198, MeSH D046152, MONDO:0011719, OMIM 606764, HP:0100723.
Pheochromocytoma. Also called: MAX-Related Hereditary Paraganglioma-Pheochromocytoma Syndrome. Identifiers: Orphanet 29072, MedGen C0031511, MONDO:0008233, OMIM 171300, HP:0002666.

Submissions (2):

Ambry Genetics
Classification: Pathogenic for Hereditary cancer-predisposing syndrome. Last evaluated: 2026-01-14. Review status: criteria provided, single submitter. Criteria: Ambry Variant Classification Scheme 2023. Collection method: clinical testing. Allele origin: germline.
Comment: The p.C93F pathogenic mutation (also known as c.278G>T), located in coding exon 3 of the SDHB gene, results from a G to T substitution at nucleotide position 278. The cysteine at codon 93 is replaced by phenylalanine, an amino acid with highly dissimilar properties. This variant was reported in individuals with features consistent with SDHB-related hereditary pheochromocytoma-paraganglioma (Ambry internal data). Other variants at the same codon, p.C93R (c.277T>C) and p.C93Y (c.278G>A), have also been identified in individuals with features consistent with SDHB-related hereditary pheochromocytoma-paraganglioma (L ima et al. J Clin Endocrinol Metab. 2007 Dec;92(12):4853-64; Hermsen et al. Cell Oncol. 2010 Jan 1;32(4):275-83; Cascon et al. J Clin Endocrinol Metab. 2009 May;94(5):1701-5; Ambry internal data). This amino acid position is highly conserved in available vertebrate species. In addition, this alteration is predicted to be deleterious by in silico analysis. Based on the supporting evidence, this variant is interpreted as a disease-causing mutation.

Labcorp Genetics (formerly Invitae), Labcorp
Classification: Uncertain significance for Gastrointestinal stromal tumor; Pheochromocytoma/paraganglioma syndrome 4; Pheochromocytoma. Last evaluated: 2026-01-10. Review status: criteria provided, single submitter. Criteria: Invitae Variant Classification Sherloc (09022015). Collection method: clinical testing. Allele origin: germline.
Comment: This sequence change replaces cysteine, which is neutral and slightly polar, with phenylalanine, which is neutral and non-polar, at codon 93 of the SDHB protein (p.Cys93Phe). This variant is not present in population databases (gnomAD no frequency). This missense change has been observed in individual(s) with clinical features of SDHB-related conditions (internal data). ClinVar contains an entry for this variant (Variation ID: 428924). Invitae Evidence Modeling of protein sequence and biophysical properties (such as structural, functional, and spatial information, amino acid conservation, physicochemical variation, residue mobility, and thermodynamic stability) indicates that this missense variant is expected to disrupt SDHB protein function with a positive predictive value of 80%. This variant disrupts the p.Cys93 amino acid residue in SDHB. Other variant(s) that disrupt this residue have been determined to be pathogenic (PMID: 19258401, 31492822; internal data). This suggests that this residue is clinically significant, and that variants that disrupt this residue are likely to be disease-causing. In summary, the available evidence is currently insufficient to determine the role of this variant in disease. Therefore, it has been classified as a Variant of Uncertain Significance.

Literature cited by the submitters: PubMed 19258401 (cited by Labcorp Genetics (formerly Invitae), Labcorp); PubMed 31492822 (cited by Labcorp Genetics (formerly Invitae), Labcorp).